The following is an entry in ClinVar:

NM_000382.3(ALDH3A2):c.1320T>A (p.Tyr440Ter)

Gene: ALDH3A2 (aldehyde dehydrogenase 3 family member A2; plus strand). Cytogenetic location: 17p11.2.
Variant type: single nucleotide variant.
Coding change: c.1320T>A on transcript NM_000382.3 (MANE Select); coding-DNA position 1320, T replaced by A.
Protein change: p.Tyr440Ter; replaces tyrosine 440 with a stop codon.
Molecular consequence: nonsense. On other transcripts: intron variant (1).
Genome position (GRCh38, 1-based): chr17:19,671,833, T>A. VCF-style: chr17-19671833-T-A. GRCh37 (hg19) VCF-style: chr17-19575146-T-A.
Other names: c.1320T>A, p.Tyr440Ter (NM_001031806.2, NM_001369136.1, NM_001369137.2 and 2 more transcripts); c.741T>A, p.Tyr247Ter (NM_001369148.2); c.1208-3725T>A (NM_001369146.2); short protein forms Y247*, Y440*.
Identifiers: ClinVar variation 3764587 (VCV003764587.2).

ClinVar aggregate classification (germline): Pathogenic. Review status: criteria provided, multiple submitters, no conflicts (2 of 4 stars). 2 submissions from 2 submitters: Pathogenic (2). Last evaluated 2026-04-20.

Conditions:
Sjögren-Larsson syndrome (SLS). Also called: FALDH DEFICIENCY; FATTY ALCOHOL:NAD+ OXIDOREDUCTASE DEFICIENCY; FATTY ALDEHYDE DEHYDROGENASE DEFICIENCY; ICHTHYOSIS, SPASTIC NEUROLOGIC DISORDER, AND OLIGOPHRENIA. Identifiers: Orphanet 816, MedGen C0037231, MONDO:0010031, OMIM 270200.

gnomAD v4.1: 1 of 1,614,136 alleles (0.000062%); highest among the groups gnomAD compares: South Asian, 0.0011%; no homozygotes.

Submissions (2):

Myriad Genetics, Inc.
Classification: Pathogenic for Sjögren-Larsson syndrome. Last evaluated: 2026-04-20. Review status: criteria provided, single submitter. Criteria: Myriad Autosomal Dominant, Autosomal Recessive and X-Linked Classification Criteria (2023). Collection method: clinical testing. Allele origin: unknown.
Comment: NM_000382.2(ALDH3A2):c.1320T>A(Y440*) is a nonsense variant classified as pathogenic in the context of Sjogren-Larsson syndrome. Y440* has been observed in a case with relevant disease (PMID: 32930514). Relevant functional assessments of this variant are not available in the literature. Y440* has not been observed in referenced population frequency databases. In summary, NM_000382.2(ALDH3A2):c.1320T>A(Y440*) is a nonsense variant in a gene where loss of function is a known mechanism of disease, is predicted to disrupt protein function, and has been observed more frequently in cases with the relevant disease than in healthy populations. Please note: this variant was assessed in the context of healthy population screening.

Daryl Scott Lab, Baylor College of Medicine
Classification: Pathogenic for Sjögren-Larsson syndrome. Last evaluated: 2024-01-01. Review status: criteria provided, single submitter. Criteria: ACMG Guidelines, 2015. Collection method: clinical testing. Allele origin: paternal. Observed: 1 heterozygote.
Comment: PVS1, PM2, PP1, PP4

Literature cited by the submitters: PubMed 32930514 (cited by Myriad Genetics, Inc.).